The following is an entry in ClinVar:

ClinVar aggregate classification (germline): Pathogenic/Likely pathogenic. Review status: criteria provided, multiple submitters, no conflicts (2 of 4 stars). 5 submissions from 5 submitters: Pathogenic (1); Likely pathogenic (4). Last evaluated 2025-08-18.

Conditions:
Cardiovascular phenotype. Identifiers: MedGen CN230736.
Dilated cardiomyopathy 1G (CMD1G). Identifiers: Orphanet 154, MedGen C1858763, MONDO:0011400, OMIM 604145.
Autosomal recessive limb-girdle muscular dystrophy type 2J (LGMDR10). Also called: Limb-girdle muscular dystrophy, type 2J; MUSCULAR DYSTROPHY, LIMB-GIRDLE, AUTOSOMAL RECESSIVE 10. Identifiers: Orphanet 140922, MedGen C1837342, MONDO:0012127, OMIM 608807.

Allele frequency attached by ClinVar (database versions not stated): gnomAD exomes below 0.00001; ExAC 0.00001.
gnomAD v4.1: 1 of 1,592,768 alleles (0.000063%); highest among the groups gnomAD compares: South Asian, 0.0011%; no homozygotes.

Submissions (5):

GeneDx
Classification: Likely pathogenic. Last evaluated: 2025-08-18. Review status: criteria provided, single submitter. Criteria: GeneDx Variant Classification Process June 2021. Collection method: clinical testing. Allele origin: germline. Affected: yes.
Comment: Also reported in a patient with cardiomyopathy; however, detailed clinical information was not provided (PMID: 32964742); Canonical splice site variant expected to result in aberrant splicing, although in the absence of functional evidence the actual effect of this sequence change is unknown.; Not observed at significant frequency in large population cohorts (gnomAD); This variant is associated with the following publications: (PMID: 31589614, 32815318, 32778822, 22335739, 32964742)

Ambry Genetics
Classification: Likely pathogenic for Cardiovascular phenotype. Last evaluated: 2025-01-08. Review status: criteria provided, single submitter. Criteria: Ambry Variant Classification Scheme 2023. Collection method: clinical testing. Allele origin: germline.
Comment: The c.26995+1G>A intronic variant results from a G to A substitution one nucleotide after coding exon 107 of the TTN gene. Alterations that disrupt the canonical splice site are expected to cause aberrant splicing, resulting in an abnormal protein or a transcript that is subject to nonsense-mediated mRNA decay. This variant was not reported in population-based cohorts in the Genome Aggregation Database (gnomAD). This variant was reported in individual(s) with features consistent with dilated cardiomyopathy (Akhtar, 2020; Savarese, 2020). This nucleotide position is highly conserved in available vertebrate species. Coding exon 107 is located in the A-band region of the N2-B isoform of the titin protein and is constitutively expressed in TTN transcripts (percent spliced in or PSI 100%). RNA studies have demonstrated that this alteration may result in abnormal splicing leading to intron retention (Savarese, 2020). In silico splice site analysis predicts that this alteration will weaken the native splice donor site and may result in the creation or strengthening of a novel splice donor site. Based on the available evidence, this alteration is classified as likely pathogenic.

Labcorp Genetics (formerly Invitae), Labcorp
Classification: Pathogenic for Dilated cardiomyopathy 1G; Autosomal recessive limb-girdle muscular dystrophy type 2J. Last evaluated: 2024-11-29. Review status: criteria provided, single submitter. Criteria: Invitae Variant Classification Sherloc (09022015). Collection method: clinical testing. Allele origin: germline.
Comment: This sequence change affects a donor splice site in intron 280 of the TTN gene. It is expected to disrupt RNA splicing and likely results in a truncated or disrupted TTN protein. This variant is present in population databases (rs756339648, gnomAD 0.004%). Disruption of this splice site has been observed in individual(s) with dilated cardiomyopathy and/or limb-girdle muscular dystrophy (PMID: 32778822, 32964742). In at least one individual the data is consistent with being in trans (on the opposite chromosome) from a pathogenic variant. ClinVar contains an entry for this variant (Variation ID: 287661). Algorithms developed to predict the effect of sequence changes on RNA splicing suggest that this variant may disrupt the consensus splice site. This variant is located in the A band of TTN (PMID: 25589632). Truncating variants in this region are significantly overrepresented in patients affected with dilated cardiomyopathy (PMID: 25589632). Truncating variants in this region have also been reported in individuals affected with autosomal recessive centronuclear myopathy (PMID: 23975875). For these reasons, this variant has been classified as Pathogenic.

Women's Health and Genetics/Laboratory Corporation of America, LabCorp
Classification: Likely pathogenic for Autosomal recessive limb-girdle muscular dystrophy type 2J. Last evaluated: 2022-12-02. Review status: criteria provided, single submitter. Criteria: LabCorp Variant Classification Summary - May 2015. Collection method: clinical testing. Allele origin: germline.
Comment: Variant summary: TTN c.46486+1G>A is located in a canonical splice-site and is predicted to affect mRNA splicing resulting in a significantly altered protein due to either exon skipping, shortening, or inclusion of intronic material. Several computational tools predict a significant impact on normal splicing: Four predict the variant abolishes the canonical 5' splicing donor site. However, these predictions have yet to be confirmed by functional studies. The variant was absent in 233868 control chromosomes (gnomAD). c.46486+1G>A has been reported in the literature in individuals affected with recessive titinopathy and congenital myopathy (examples: Savarese_TTN_GM_2020 and Rich_2020). These report(s) do not provide unequivocal conclusions about association of the variant with Limb-Girdle Muscular Dystrophy, Type 2J. To our knowledge, no experimental evidence demonstrating an impact on protein function has been reported. Two clinical diagnostic laboratories have submitted clinical-significance assessments for this variant to ClinVar after 2014 and classified the variant as likely pathogenic. Based on the evidence outlined above, the variant was classified as likely pathogenic.

Eurofins Ntd Llc (ga)
Classification: Likely pathogenic. Last evaluated: 2016-04-18. Review status: criteria provided, single submitter. Criteria: EGL Classification Definitions 2015. Collection method: clinical testing. Allele origin: germline. Observed: 1 variant allele, 1 heterozygote.

Literature cited by the submitters: PubMed 32778822 (cited by 3 submitters); PubMed 32964742 (cited by 3 submitters); PubMed 25589632 (cited by Labcorp Genetics (formerly Invitae), Labcorp); PubMed 23975875 (cited by Labcorp Genetics (formerly Invitae), Labcorp); PubMed 32815318 (cited by Women's Health and Genetics/Laboratory Corporation of America, LabCorp).

NM_001267550.2(TTN):c.54190+1G>A

Genes: TTN (titin; minus strand), TTN-AS1 (TTN antisense RNA 1; plus strand). Cytogenetic location: 2q31.2.
Variant type: single nucleotide variant.
Coding change: c.54190+1G>A on transcript NM_001267550.2 (MANE Select); the canonical splice donor site of the intron after coding-DNA position 54190, G replaced by A.
Molecular consequence: splice donor variant. On other transcripts: non-coding transcript variant (1).
Genome position (GRCh38, 1-based): chr2:178,604,986, C>T on the plus strand (G>A on the coding strand, the complement: TTN is on the minus strand). VCF-style: chr2-178604986-C-T. GRCh37 (hg19) VCF-style: chr2-179469713-C-T.
Other names: c.26995+1G>A (NM_003319.4); c.27571+1G>A (NM_133437.4); c.27370+1G>A (NM_133432.3); c.46486+1G>A (NM_133378.4); c.49267+1G>A (NM_001256850.1).
Identifiers: ClinVar variation 287661 (VCV000287661.23), dbSNP rs756339648, ClinGen allele CA1993679.